The following is an entry in ClinVar:

ClinVar aggregate classification (germline): Uncertain significance (1 of 4 stars; one submission).

Conditions:
Inborn genetic diseases. Identifiers: MedGen C0950123, MeSH D030342.

Submission:

Ambry Genetics
Classification: Uncertain significance for Inborn genetic diseases. Last evaluated: 2024-04-25. Review status: criteria provided, single submitter. Criteria: Ambry Variant Classification Scheme 2023. Collection method: clinical testing. Allele origin: germline.
Comment: The p.N62S variant (also known as c.185A>G), located in coding exon 2 of the RAD51 gene, results from an A to G substitution at nucleotide position 185. The asparagine at codon 62 is replaced by serine, an amino acid with highly similar properties. This amino acid position is conserved. In addition, this alteration is predicted to be tolerated by in silico analysis. Since supporting evidence is limited at this time, the clinical significance of this alteration remains unclear.

NM_002875.5(RAD51):c.185A>G (p.Asn62Ser)

Gene: RAD51 (RAD51 recombinase; plus strand). Cytogenetic location: 15q15.1.
Variant type: single nucleotide variant.
Coding change: c.185A>G on transcript NM_002875.5 (MANE Select); coding-DNA position 185, A replaced by G.
Protein change: p.Asn62Ser; replaces asparagine 62 with serine.
Molecular consequence: missense variant.
Genome position (GRCh38, 1-based): chr15:40,701,161, A>G. VCF-style: chr15-40701161-A-G. GRCh37 (hg19) VCF-style: chr15-40993359-A-G.
Other names: c.185A>G, p.Asn62Ser (NM_001164269.2, NM_001164270.2, NM_133487.4); short protein forms N62S.
Identifiers: ClinVar variation 1781467 (VCV001781467.3), dbSNP rs2504415255, ClinGen allele CA391746303.
Genomic context (GRCh38, chr15:40,701,161, plus strand): 5'-AAGAAGCTGGATTCCATACTGTGGAGGCTGTTGCCTATGCGCCAAAGAAGGAGCTAATAA[A>G]TATTAAGGGAATTAGTGAAGCCAAAGCTGATAAAATTCTGGTAAGTACTGCTTACTTAAC-3'
Protein context (NP_002866.2, residues 52-72): VAYAPKKELI[Asn62Ser]IKGISEAKAD